The following is an entry in ClinVar:

NM_182943.3(PLOD2):c.1275G>A (p.Trp425Ter)

Gene: PLOD2 (procollagen-lysine,2-oxoglutarate 5-dioxygenase 2; minus strand). Cytogenetic location: 3q24.
Variant type: single nucleotide variant.
Coding change: c.1275G>A on transcript NM_182943.3 (MANE Select); coding-DNA position 1275, G replaced by A.
Protein change: p.Trp425Ter; replaces tryptophan 425 with a stop codon.
Molecular consequence: nonsense.
Genome position (GRCh38, 1-based): chr3:146,081,821, C>T on the plus strand (G>A on the coding strand, the complement: PLOD2 is on the minus strand). VCF-style: chr3-146081821-C-T. GRCh37 (hg19) VCF-style: chr3-145799608-C-T.
Other names: c.1275G>A, p.Trp425Ter (NM_000935.3); short protein forms W425*.
Identifiers: ClinVar variation 1075750 (VCV001075750.7), dbSNP rs2108010991, ClinGen allele CA354889895.

ClinVar aggregate classification (germline): Pathogenic (1 of 4 stars; one submission).

Submission:

Labcorp Genetics (formerly Invitae), Labcorp
Classification: Pathogenic. Last evaluated: 2017-09-20. Review status: criteria provided, single submitter. Criteria: Invitae Variant Classification Sherloc (09022015). Collection method: clinical testing. Allele origin: germline.
Comment: This sequence change creates a premature translational stop signal (p.Trp425*) in the PLOD2 gene. It is expected to result in an absent or disrupted protein product. This variant is not present in population databases (ExAC no frequency). This variant has not been reported in the literature in individuals with PLOD2-related disease. Loss-of-function variants in PLOD2 are known to be pathogenic (PMID: 19762917, 22689593). For these reasons, this variant has been classified as Pathogenic.

Literature cited by the submitters: PubMed 19762917; PubMed 22689593.